The following is an entry in ClinVar:

ClinVar aggregate classification (germline): Likely benign (0 of 4 stars; one submission).

Conditions:
PADI6-related disorder. Also called: PADI6-related condition.

Allele frequency attached by ClinVar (database versions not stated): gnomAD exomes 0.00001; ExAC 0.00002.
gnomAD v4.1: 10 of 1,613,844 alleles (0.00062%); highest among the groups gnomAD compares: Non-Finnish European, 0.00085%; no homozygotes.

Submission:

PreventionGenetics, part of Exact Sciences
Classification: Likely benign for PADI6-related condition. Last evaluated: 2019-09-16. Review status: no assertion criteria provided. Collection method: clinical testing. Allele origin: germline.
Comment: This variant is classified as likely benign based on ACMG/AMP sequence variant interpretation guidelines (Richards et al. 2015 PMID: 25741868, with internal and published modifications).

NM_207421.4(PADI6):c.897G>A (p.Val299=)

Gene: PADI6 (peptidyl arginine deiminase 6; plus strand). Cytogenetic location: 1p36.13.
Variant type: single nucleotide variant.
Coding change: c.897G>A on transcript NM_207421.4 (MANE Select); coding-DNA position 897, G replaced by A.
Protein change: p.Val299=; no amino-acid change (valine 299 retained).
Molecular consequence: synonymous variant.
Genome position (GRCh38, 1-based): chr1:17,388,815, G>A. VCF-style: chr1-17388815-G-A. GRCh37 (hg19) VCF-style: chr1-17715310-G-A.
Identifiers: ClinVar variation 3040422 (VCV003040422.2), dbSNP rs754955525, ClinGen allele CA641552.